The following is an entry in ClinVar:

NM_024675.4(PALB2):c.1576C>G (p.His526Asp)

Gene: PALB2 (partner and localizer of BRCA2; minus strand). Cytogenetic location: 16p12.2.
Variant type: single nucleotide variant.
Coding change: c.1576C>G on transcript NM_024675.4 (MANE Select); coding-DNA position 1576, C replaced by G.
Protein change: p.His526Asp; replaces histidine 526 with aspartic acid.
Molecular consequence: missense variant.
Genome position (GRCh38, 1-based): chr16:23,634,970, G>C on the plus strand (C>G on the coding strand, the complement: PALB2 is on the minus strand). VCF-style: chr16-23634970-G-C. GRCh37 (hg19) VCF-style: chr16-23646291-G-C.
Other names: short protein forms H526D.
Identifiers: ClinVar variation 460902 (VCV000460902.15), dbSNP rs529894848, ClinGen allele CA395130670.

ClinVar aggregate classification (germline): Uncertain significance. Review status: criteria provided, multiple submitters, no conflicts (2 of 4 stars). 3 submissions from 3 submitters: Uncertain significance (3). Last evaluated 2025-07-08.

Conditions:
Familial cancer of breast. Also called: BREAST CANCER, FAMILIAL; Hereditary breast cancer; hereditary breast carcinoma. Identifiers: Orphanet 227535, MedGen C0346153, MONDO:0016419, OMIM 114480. Disease mechanism: loss of function.
Hereditary cancer-predisposing syndrome. Also called: Neoplastic Syndromes, Hereditary; Hereditary Cancer Syndrome; Hereditary neoplastic syndrome; Tumor predisposition. Identifiers: Orphanet 140162, MedGen C0027672, MeSH D009386, MONDO:0015356.

Submissions (3):

Labcorp Genetics (formerly Invitae), Labcorp
Classification: Uncertain significance for Familial cancer of breast. Last evaluated: 2025-07-08. Review status: criteria provided, single submitter. Criteria: Invitae Variant Classification Sherloc (09022015). Collection method: clinical testing. Allele origin: germline.
Comment: This sequence change replaces histidine, which is basic and polar, with aspartic acid, which is acidic and polar, at codon 526 of the PALB2 protein (p.His526Asp). This variant is not present in population databases (gnomAD no frequency). This variant has not been reported in the literature in individuals affected with PALB2-related conditions. ClinVar contains an entry for this variant (Variation ID: 460902). Invitae Evidence Modeling of protein sequence and biophysical properties (such as structural, functional, and spatial information, amino acid conservation, physicochemical variation, residue mobility, and thermodynamic stability) indicates that this missense variant is not expected to disrupt PALB2 protein function with a negative predictive value of 80%. In summary, the available evidence is currently insufficient to determine the role of this variant in disease. Therefore, it has been classified as a Variant of Uncertain Significance.

Ambry Genetics
Classification: Uncertain significance for Hereditary cancer-predisposing syndrome. Last evaluated: 2023-10-26. Review status: criteria provided, single submitter. Criteria: Ambry Variant Classification Scheme 2023. Collection method: clinical testing. Allele origin: germline.
Comment: The p.H526D variant (also known as c.1576C>G), located in coding exon 4 of the PALB2 gene, results from a C to G substitution at nucleotide position 1576. The histidine at codon 526 is replaced by aspartic acid, an amino acid with similar properties. This amino acid position is poorly conserved in available vertebrate species. In addition, this alteration is predicted to be tolerated by in silico analysis. Since supporting evidence is limited at this time, the clinical significance of this alteration remains unclear.

Color Diagnostics, LLC DBA Color Health
Classification: Uncertain significance for Hereditary cancer-predisposing syndrome. Last evaluated: 2023-02-07. Review status: criteria provided, single submitter. Criteria: ACMG Guidelines, 2015. Collection method: clinical testing. Allele origin: germline.
Comment: This missense variant replaces histidine with aspartic acid at codon 526 of the PALB2 protein. Computational prediction suggests that this variant may not impact protein structure and function (internally defined REVEL score threshold <= 0.5, PMID: 27666373). To our knowledge, functional studies have not been reported for this variant. This variant has not been reported in individuals affected with PALB2-related disorders in the literature. This variant has not been identified in the general population by the Genome Aggregation Database (gnomAD). The available evidence is insufficient to determine the role of this variant in disease conclusively. Therefore, this variant is classified as a Variant of Uncertain Significance.